The following is an entry in ClinVar:

NM_000038.6(APC):c.6318A>C (p.Glu2106Asp)

Gene: APC (APC regulator of Wnt signaling pathway; plus strand). Cytogenetic location: 5q22.2.
Variant type: single nucleotide variant.
Coding change: c.6318A>C on transcript NM_000038.6 (MANE Select); coding-DNA position 6318, A replaced by C.
Protein change: p.Glu2106Asp; replaces glutamic acid 2106 with aspartic acid.
Molecular consequence: missense variant. On other transcripts: non-coding transcript variant (2).
Genome position (GRCh38, 1-based): chr5:112,841,912, A>C. VCF-style: chr5-112841912-A-C. GRCh37 (hg19) VCF-style: chr5-112177609-A-C.
Other names: c.5838A>C, p.Glu1946Asp (NM_001354905.2); c.5469A>C, p.Glu1823Asp (NM_001354906.2, NM_001407470.1); c.6402A>C, p.Glu2134Asp (NM_001407446.1); c.6372A>C, p.Glu2124Asp (NM_001407447.1, NM_001407448.1, NM_001407449.1 and 1 more transcripts); c.6318A>C, p.Glu2106Asp (NM_001407450.1, NM_001127510.3, NM_001354895.2); c.6297A>C, p.Glu2099Asp (NM_001407451.1); c.6288A>C, p.Glu2096Asp (NM_001407452.1); c.6141A>C, p.Glu2047Asp (NM_001407453.1, NM_001354901.2); and 11 more; short protein forms E1980D, E2005D, E2015D, E2096D, E2047D, E2078D, E2116D, E1823D.
Identifiers: ClinVar variation 3928499 (VCV003928499.1).
Genomic context (GRCh38, chr5:112,841,912, plus strand): 5'-AGATTCAGAACATGGTCTATCCCCTGATTCAGAAAATTTTGATTGGAAAGCTATTCAGGA[A>C]GGTGCAAATTCCATAGTAAGTAGTTTACATCAAGCTGCTGCTGCTGCATGTTTATCTAGA-3'
Protein context (NP_000029.2, residues 2096-2116): SENFDWKAIQ[Glu2106Asp]GANSIVSSLH

ClinVar aggregate classification (germline): Uncertain significance (1 of 4 stars; one submission).

Conditions:
Hereditary cancer-predisposing syndrome. Also called: Hereditary Cancer Syndrome; Hereditary neoplastic syndrome; Neoplastic Syndromes, Hereditary; Tumor predisposition. Identifiers: Orphanet 140162, MedGen C0027672, MeSH D009386, MONDO:0015356.

Submission:

Ambry Genetics
Classification: Uncertain significance for Hereditary cancer-predisposing syndrome. Last evaluated: 2025-04-04. Review status: criteria provided, single submitter. Criteria: Ambry Variant Classification Scheme 2023. Collection method: clinical testing. Allele origin: germline.
Comment: The p.E2106D variant (also known as c.6318A>C), located in coding exon 15 of the APC gene, results from an A to C substitution at nucleotide position 6318. The glutamic acid at codon 2106 is replaced by aspartic acid, an amino acid with highly similar properties. This amino acid position is conserved. In addition, in silico predictors for this gene do not accurately predict pathogenicity. Based on the available evidence, the clinical significance of this variant remains unclear.